The following is an entry in ClinVar:

NM_013247.5(HTRA2):c.115C>A (p.Leu39Met)

Gene: HTRA2 (HtrA serine peptidase 2; plus strand). Cytogenetic location: 2p13.1.
Variant type: single nucleotide variant.
Coding change: c.115C>A on transcript NM_013247.5 (MANE Select); coding-DNA position 115, C replaced by A.
Protein change: p.Leu39Met; replaces leucine 39 with methionine.
Molecular consequence: missense variant. On other transcripts: non-coding transcript variant (1).
Genome position (GRCh38, 1-based): chr2:74,530,121, C>A. VCF-style: chr2-74530121-C-A. GRCh37 (hg19) VCF-style: chr2-74757248-C-A.
Other names: c.115C>A, p.Leu39Met (NM_001321727.1, NM_001321728.1, NM_145074.2); short protein forms L39M.
Identifiers: ClinVar variation 1492408 (VCV001492408.6), dbSNP rs1467468369, ClinGen allele CA347375805.

ClinVar aggregate classification (germline): Uncertain significance (1 of 4 stars; one submission).

Allele frequency attached by ClinVar (database versions not stated): gnomAD 0.00001.
gnomAD v4.1: 1 of 1,611,086 alleles (0.000062%); highest among the groups gnomAD compares: Admixed American, 0.0017%; no homozygotes.

Submission:

Labcorp Genetics (formerly Invitae), Labcorp
Classification: Uncertain significance. Last evaluated: 2021-11-28. Review status: criteria provided, single submitter. Criteria: Invitae Variant Classification Sherloc (09022015). Collection method: clinical testing. Allele origin: germline.
Comment: This variant has not been reported in the literature in individuals affected with HTRA2-related conditions. This variant is not present in population databases (gnomAD no frequency). This sequence change replaces leucine, which is neutral and non-polar, with methionine, which is neutral and non-polar, at codon 39 of the HTRA2 protein (p.Leu39Met). Algorithms developed to predict the effect of missense changes on protein structure and function (SIFT, PolyPhen-2, Align-GVGD) all suggest that this variant is likely to be tolerated. In summary, the available evidence is currently insufficient to determine the role of this variant in disease. Therefore, it has been classified as a Variant of Uncertain Significance.